The following is an entry in ClinVar:

ClinVar aggregate classification (germline): Uncertain significance (1 of 4 stars; one submission).

Submission:

GeneDx
Classification: Uncertain significance. Last evaluated: 2024-08-23. Review status: criteria provided, single submitter. Criteria: GeneDx Variant Classification Process June 2021. Collection method: clinical testing. Allele origin: germline. Affected: yes.
Comment: Not observed at significant frequency in large population cohorts (gnomAD); In silico analysis supports that this missense variant has a deleterious effect on protein structure/function; Has not been previously published as pathogenic or benign to our knowledge

NM_198503.5(KCNT2):c.2870G>A (p.Gly957Glu)

Gene: KCNT2 (potassium sodium-activated channel subfamily T member 2; minus strand). Cytogenetic location: 1q31.3.
Variant type: single nucleotide variant.
Coding change: c.2870G>A on transcript NM_198503.5 (MANE Select); coding-DNA position 2870, G replaced by A.
Protein change: p.Gly957Glu; replaces glycine 957 with glutamic acid.
Molecular consequence: missense variant. On other transcripts: non-coding transcript variant (2).
Genome position (GRCh38, 1-based): chr1:196,280,900, C>T on the plus strand (G>A on the coding strand, the complement: KCNT2 is on the minus strand). VCF-style: chr1-196280900-C-T. GRCh37 (hg19) VCF-style: chr1-196250030-C-T.
Other names: c.2798G>A, p.Gly933Glu (NM_001287819.3); c.2648G>A, p.Gly883Glu (NM_001287820.3); short protein forms G883E, G933E, G957E.
Identifiers: ClinVar variation 3764140 (VCV003764140.1).
Genomic context (GRCh38, chr1:196,280,900, plus strand): 5'-ATATTTTGTTATTTCCAAACCTCAGATGTAGTAAGTTTCTGAGACTCAGTCCTGTAGATT[C>T]CAATGGGAACATCTCCAGTAGAAGAACACAACTTCTGATAAAGTCTGGCATAAGTTCTGA-3'
Protein context (NP_940905.2, residues 947-967): LCSSTGDVPI[Gly957Glu]IYRTESQKLT